The following is an entry in ClinVar:

NM_000051.4(ATM):c.2639-17G>T

Gene: ATM (ATM serine/threonine kinase; plus strand). Cytogenetic location: 11q22.3.
Variant type: single nucleotide variant.
Coding change: c.2639-17G>T on transcript NM_000051.4 (MANE Select); 17 bases into the intron before coding-DNA position 2639, G replaced by T.
Molecular consequence: intron variant.
Genome position (GRCh38, 1-based): chr11:108,268,393, G>T. VCF-style: chr11-108268393-G-T. GRCh37 (hg19) VCF-style: chr11-108139120-G-T.
Other names: NM_000051.3(ATM):c.2639-17G>T; c.2639-17G>T (NM_001351834.2).
Identifiers: ClinVar variation 140763 (VCV000140763.32), dbSNP rs2234994, ClinGen allele CA163513.

ClinVar aggregate classification (germline): Benign. Review status: reviewed by expert panel (3 of 4 stars). 19 submissions from 19 submitters: Benign (1). 18 of the submissions do not count toward it. Last evaluated 2022-03-09.

Conditions:
ATM-related cancer predisposition. Also called: ATM-related cancer susceptibility. Identifiers: MedGen CN377759, MONDO:0700270.
Breast and/or ovarian cancer. Identifiers: MedGen CN221562.
Hereditary cancer-predisposing syndrome. Also called: Hereditary Cancer Syndrome; Neoplastic Syndromes, Hereditary; Tumor predisposition; Hereditary neoplastic syndrome. Identifiers: Orphanet 140162, MedGen C0027672, MeSH D009386, MONDO:0015356.
Hereditary breast ovarian cancer syndrome. Also called: Breast and ovarian cancer; BRCA1- and BRCA2-Associated Hereditary Breast and Ovarian Cancer; Hereditary breast and ovarian cancer syndrome; Hereditary breast and ovarian cancer; Hereditary breast and/or ovarian cancer syndrome; Hereditary breast and ovarian cancer syndrome (HBOC). Identifiers: Orphanet 145, MedGen C0677776, MeSH D061325, MONDO:0003582. Disease mechanism: loss of function.
Familial cancer of breast. Also called: BREAST CANCER, FAMILIAL; hereditary breast carcinoma; Hereditary breast cancer. Identifiers: Orphanet 227535, MedGen C0346153, MONDO:0016419, OMIM 114480. Disease mechanism: loss of function.
Ataxia-telangiectasia syndrome (AT). Also called: ATAXIA-TELANGIECTASIA, COMPLEMENTATION GROUP A; ATAXIA-TELANGIECTASIA, FRESNO VARIANT; Ataxia-telangiectasia; LOUIS-BAR SYNDROME; Ataxia telangiectasia (A-T); Ataxia-telangiectasia, complementation group D. Identifiers: Orphanet 100, MedGen C0004135, MONDO:0008840, OMIM 208900.

Allele frequency attached by ClinVar (database versions not stated): gnomAD 0.02161 and 0.02163; ExAC 0.01444; TOPMed 0.02240; ESP Exome Variant Server 0.02439; 1000 Genomes Project 0.03215; 1000 Genomes Project 30x 0.03295.
gnomAD v4.1: 11,713 of 1,611,532 alleles (0.73%); highest among the groups gnomAD compares: African/African-American, 6.9%; 320 homozygotes.

Submissions (19):

ClinGen Hereditary Breast, Ovarian and Pancreatic Cancer Variant Curation Expert Panel, ClinGen
Classification: Benign for ATM-related cancer predisposition. Last evaluated: 2022-03-09. Review status: reviewed by expert panel. Criteria: clingen hbop acmg specifications atm v1-1. Collection method: curation. Allele origin: germline. Inheritance: Autosomal dominant inheritance.
Comment: The ATM c.2639-17G>T variant has a gnomAD v2.1.1 filtering allele frequency of 6.505% (African/African-American; exomes) which exceeds the ATM BA1 threshold of 0.50% (BA1). This variant has been observed in a homozygous state in multiple individuals without biallelic disease (BP2_Strong; GTR Lab ID: 61756). In silico splicing predictors (SpliceAI: AL 0.00/DL 0.00/AG 0.01/DG 0.00; MaxEntScan: +1.92% (wild type = 9.90, variant = 10.09)) find that this variant is unlikely to affect splicing (BP4). In summary, this variant meets criteria to be classified as benign based on the ACMG/AMP criteria applied as specified by the HBOP Variant Curation Expert Panel.

Labcorp Genetics (formerly Invitae), Labcorp
Classification: Benign for Ataxia-telangiectasia syndrome. Last evaluated: 2026-02-04. Review status: criteria provided, single submitter. Criteria: Invitae Variant Classification Sherloc (09022015). Collection method: clinical testing. Allele origin: germline. Not counted in ClinVar's aggregate classification.

ARUP Laboratories, Molecular Genetics and Genomics, ARUP Laboratories
Classification: Benign. Last evaluated: 2025-07-21. Review status: criteria provided, single submitter. Criteria: ARUP Molecular Germline Variant Investigation Process 2024. Collection method: clinical testing. Allele origin: germline. Not counted in ClinVar's aggregate classification.

Center for Genomic Medicine, Rigshospitalet, Copenhagen University Hospital
Classification: Benign. Last evaluated: 2025-03-04. Review status: criteria provided, single submitter. Criteria: ACMG Guidelines, 2015. Collection method: clinical testing. Allele origin: germline. Not counted in ClinVar's aggregate classification.

Myriad Genetics, Inc.
Classification: Benign for Familial cancer of breast. Last evaluated: 2024-05-10. Review status: criteria provided, single submitter. Criteria: Myriad Autosomal Dominant, Autosomal Recessive and X-Linked Classification Criteria (2023). Collection method: clinical testing. Allele origin: unknown. Not counted in ClinVar's aggregate classification.
Comment: This variant is considered benign. This variant is intronic and is not expected to impact mRNA splicing. This variant has been observed at a population frequency that is significantly greater than expected given the associated disease prevalence and penetrance.

KCCC/NGS Laboratory, Kuwait Cancer Control Center
Classification: Benign for Familial cancer of breast. Last evaluated: 2023-07-07. Review status: criteria provided, single submitter. Criteria: ACMG Guidelines, 2015. Collection method: clinical testing. Allele origin: germline. Affected: yes. Not counted in ClinVar's aggregate classification.

National Health Laboratory Service, Universitas Academic Hospital and University of the Free State
Classification: Benign for Hereditary breast ovarian cancer syndrome. Last evaluated: 2022-04-19. Review status: criteria provided, single submitter. Criteria: ACMG Guidelines, 2015. Collection method: clinical testing. Allele origin: germline. Affected: yes. Observed: 14 variant alleles. Not counted in ClinVar's aggregate classification.

CHEO Genetics Diagnostic Laboratory, Children's Hospital of Eastern Ontario
Classification: Benign for Breast and/or ovarian cancer. Last evaluated: 2021-12-07. Review status: criteria provided, single submitter. Criteria: ACMG Guidelines, 2015. Collection method: clinical testing. Allele origin: germline. Not counted in ClinVar's aggregate classification.

Vantari Genetics
Classification: Benign for Hereditary cancer-predisposing syndrome. Last evaluated: 2016-02-04. Review status: criteria provided, single submitter. Criteria: ACMG Guidelines, 2015. Collection method: clinical testing. Allele origin: germline. Not counted in ClinVar's aggregate classification.

Color Diagnostics, LLC DBA Color Health
Classification: Benign for Hereditary cancer-predisposing syndrome. Last evaluated: 2015-04-13. Review status: criteria provided, single submitter. Criteria: ACMG Guidelines, 2015. Collection method: clinical testing. Allele origin: germline. Not counted in ClinVar's aggregate classification.

GeneDx
Classification: Benign. Last evaluated: 2015-03-03. Review status: criteria provided, single submitter. Criteria: GeneDx Variant Classification Process June 2021. Collection method: clinical testing. Allele origin: germline. Affected: yes. Not counted in ClinVar's aggregate classification.

Ambry Genetics
Classification: Benign for Hereditary cancer-predisposing syndrome. Last evaluated: 2012-08-06. Review status: criteria provided, single submitter. Criteria: Ambry Autosomal Dominant and X-Linked criteria (10/2015). Collection method: clinical testing. Allele origin: germline. Observed: 1 variant allele. Not counted in ClinVar's aggregate classification.

Breakthrough Genomics
Classification: Benign. Review status: criteria provided, single submitter. Criteria: ACMG Guidelines, 2015. Collection method: not provided. Allele origin: germline. Inheritance: Autosomal recessive inheritance. Affected: yes. Not counted in ClinVar's aggregate classification.

PreventionGenetics, part of Exact Sciences
Classification: Benign. Review status: criteria provided, single submitter. Criteria: ACMG Guidelines, 2015. Collection method: clinical testing. Allele origin: germline. Not counted in ClinVar's aggregate classification.

Clinical Genetics Laboratory, Department of Pathology, Netherlands Cancer Institute
Classification: Benign. Review status: no assertion criteria provided. Collection method: clinical testing. Allele origin: germline. Affected: yes. Study: VKGL Data-share Consensus. Not counted in ClinVar's aggregate classification.

Clinical Genetics, Academic Medical Center
Classification: Benign. Review status: no assertion criteria provided. Collection method: clinical testing. Allele origin: germline. Affected: yes. Study: VKGL Data-share Consensus. Not counted in ClinVar's aggregate classification.

Genome Diagnostics Laboratory, Amsterdam University Medical Center
Classification: Benign. Review status: no assertion criteria provided. Collection method: clinical testing. Allele origin: germline. Affected: yes. Study: VKGL Data-share Consensus. Not counted in ClinVar's aggregate classification.

Joint Genome Diagnostic Labs from Nijmegen and Maastricht, Radboudumc and MUMC+
Classification: Benign. Review status: no assertion criteria provided. Collection method: clinical testing. Allele origin: germline. Affected: yes. Study: VKGL Data-share Consensus. Not counted in ClinVar's aggregate classification.

Laboratory of Diagnostic Genome Analysis, Leiden University Medical Center (LUMC)
Classification: Likely benign. Review status: no assertion criteria provided. Collection method: clinical testing. Allele origin: germline. Affected: yes. Study: VKGL Data-share Consensus. Not counted in ClinVar's aggregate classification.